The following is an entry in ClinVar:

ClinVar aggregate classification (germline): Uncertain significance (1 of 4 stars; one submission).

Conditions:
PTPN23-related neurodevelopmental disorder.

Submission:

Victorian Clinical Genetics Services, Murdoch Childrens Research Institute
Classification: Uncertain significance for PTPN23-related neurodevelopmental disorder. Last evaluated: 2018-10-01. Review status: criteria provided, single submitter. Criteria: ACMG Guidelines, 2015. Collection method: clinical testing. Allele origin: maternal. Affected: yes. Observed: 2 variant alleles.
Comment: A heterozygous inframe deletion-insertion variant, NM_015466.2(PTPN23):c.2977_2988delinsTT, has been identified in exon 20 of 25 of the PTPN23 gene. The variant is predicted to result in a major amino acid change from a proline to a phenylalanine at position 993 of the protein, NP_056281.1(PTPN23):p.(Pro993Phe). The proline residue at this position has low conservation (100 vertebrates, UCSC), and is located within a low complexity region of the Atrophin-1 superfamily region. In silico predictions for this variant are consistently benign (Polyphen, SIFT, CADD, Mutation Taster). The variant is absent in population databases (gnomAD, dbSNP, 1000G) and has not been previously reported in clinical cases. Based on the information available at the time of curation, this variant has been classified as VARIANT of UNCERTAIN SIGNIFICANCE (VUS).

NM_015466.4(PTPN23):c.2977_2988delinsTT (p.Pro993fs)

Gene: PTPN23 (protein tyrosine phosphatase non-receptor type 23; plus strand). Cytogenetic location: 3p21.31.
Variant type: Indel.
Coding change: c.2977_2988delinsTT on transcript NM_015466.4 (MANE Select); coding-DNA positions 2977 to 2988, CCCCCACAATCC replaced by TT.
Protein change: p.Pro993fs; shifts the reading frame from proline 993.
Molecular consequence: frameshift variant.
Genome position (GRCh38, 1-based): chr3:47,410,775-47,410,786, CCCCCACAATCC replaced by TT. VCF-style: chr3-47410775-CCCCCACAATCC-TT. GRCh37 (hg19) VCF-style: chr3-47452265-CCCCCACAATCC-TT.
Other names: c.2599_2610delinsTT, p.Pro867fs (NM_001304482.2); short protein forms P867fs, P993fs.
Identifiers: ClinVar variation 870420 (VCV000870420.2), dbSNP rs1705261820, ClinGen allele CA916082570.